The following is an entry in ClinVar:

NM_000222.3(KIT):c.2783T>C (p.Ile928Thr)

Gene: KIT (KIT proto-oncogene, receptor tyrosine kinase; plus strand). Cytogenetic location: 4q12.
Variant type: single nucleotide variant.
Coding change: c.2783T>C on transcript NM_000222.3 (MANE Select); coding-DNA position 2783, T replaced by C.
Protein change: p.Ile928Thr; replaces isoleucine 928 with threonine.
Molecular consequence: missense variant.
Genome position (GRCh38, 1-based): chr4:54,737,261, T>C. VCF-style: chr4-54737261-T-C. GRCh37 (hg19) VCF-style: chr4-55603427-T-C.
Other names: c.2771T>C, p.Ile924Thr (NM_001093772.2, NM_001385292.1); c.2786T>C, p.Ile929Thr (NM_001385284.1); c.2780T>C, p.Ile927Thr (NM_001385285.1); c.2768T>C, p.Ile923Thr (NM_001385286.1); c.2774T>C, p.Ile925Thr (NM_001385288.1); c.2783T>C, p.Ile928Thr (NM_001385290.1); short protein forms I928T, I923T, I927T, I929T, I924T, I925T.
Identifiers: ClinVar variation 1461939 (VCV001461939.6), dbSNP rs2109814150, ClinGen allele CA356914531.
Genomic context (GRCh38, chr4:54,737,261, plus strand): 5'-ATGCAGATCCCCTAAAAAGACCAACATTCAAGCAAATTGTTCAGCTAATTGAGAAGCAGA[T>C]TTCAGAGAGCACCAATCATGTGAGTATACCCTGGCCAGGCATAGAATCCCCCTTCTCCCA-3'
Protein context (NP_000213.1, residues 918-938): KQIVQLIEKQ[Ile928Thr]SESTNHIYSN

ClinVar aggregate classification (germline): Uncertain significance (1 of 4 stars; one submission).

Conditions:
Gastrointestinal stromal tumor. Also called: Gastrointestinal stroma tumor; Gastrointestinal stromal tumor, somatic. Identifiers: Orphanet 44890, MedGen C0238198, MeSH D046152, MONDO:0011719, OMIM 606764, HP:0100723.

Submission:

Labcorp Genetics (formerly Invitae), Labcorp
Classification: Uncertain significance for Gastrointestinal stromal tumor. Last evaluated: 2021-11-11. Review status: criteria provided, single submitter. Criteria: Invitae Variant Classification Sherloc (09022015). Collection method: clinical testing. Allele origin: germline.
Comment: This sequence change replaces isoleucine, which is neutral and non-polar, with threonine, which is neutral and polar, at codon 928 of the KIT protein (p.Ile928Thr). This variant is not present in population databases (gnomAD no frequency). This variant has not been reported in the literature in individuals affected with KIT-related conditions. Algorithms developed to predict the effect of missense changes on protein structure and function (SIFT, PolyPhen-2, Align-GVGD) all suggest that this variant is likely to be disruptive. In summary, the available evidence is currently insufficient to determine the role of this variant in disease. Therefore, it has been classified as a Variant of Uncertain Significance.